The following is an entry in ClinVar:

NM_006086.4(TUBB3):c.683T>C (p.Leu228Pro)

Gene: TUBB3 (tubulin beta 3 class III; plus strand). Cytogenetic location: 16q24.3.
Variant type: single nucleotide variant.
Coding change: c.683T>C on transcript NM_006086.4 (MANE Select); coding-DNA position 683, T replaced by C.
Protein change: p.Leu228Pro; replaces leucine 228 with proline.
Molecular consequence: missense variant.
Genome position (GRCh38, 1-based): chr16:89,935,134, T>C. VCF-style: chr16-89935134-T-C. GRCh37 (hg19) VCF-style: chr16-90001542-T-C.
Other names: c.467T>C, p.Leu156Pro (NM_001197181.2); short protein forms L156P, L228P.
Identifiers: ClinVar variation 1708721 (VCV001708721.2), dbSNP rs2544627585, ClinGen allele CA397475114.
Genomic context (GRCh38, chr16:89,935,134, plus strand): 5'-ACGACATCTGCTTCCGCACCCTCAAGCTGGCCACGCCCACCTACGGGGACCTCAACCACC[T>C]GGTATCGGCCACCATGAGCGGAGTCACCACCTCCTTGCGCTTCCCGGGCCAGCTCAACGC-3'
Protein context (NP_006077.2, residues 218-238): ATPTYGDLNH[Leu228Pro]VSATMSGVTT

ClinVar aggregate classification (germline): Pathogenic (1 of 4 stars; one submission).

Submission:

GeneDx
Classification: Pathogenic. Last evaluated: 2022-10-05. Review status: criteria provided, single submitter. Criteria: GeneDx Variant Classification Process June 2021. Collection method: clinical testing. Allele origin: germline. Affected: yes.
Comment: Not observed at significant frequency in large population cohorts (gnomAD); Missense variants in this gene are often considered pathogenic (HGMD); In silico analysis supports that this missense variant has a deleterious effect on protein structure/function; Has not been previously published as pathogenic or benign to our knowledge